The following is an entry in ClinVar:

ClinVar aggregate classification (germline): Uncertain significance (1 of 4 stars; one submission).

Allele frequency attached by ClinVar (database versions not stated): gnomAD exomes below 0.00001.
gnomAD v4.1: 1 of 1,592,196 alleles (0.000063%); highest among the groups gnomAD compares: South Asian, 0.0011%; no homozygotes.

Submission:

Labcorp Genetics (formerly Invitae), Labcorp
Classification: Uncertain significance. Last evaluated: 2022-02-17. Review status: criteria provided, single submitter. Criteria: Invitae Variant Classification Sherloc (09022015). Collection method: clinical testing. Allele origin: germline.
Comment: In summary, the available evidence is currently insufficient to determine the role of this variant in disease. Therefore, it has been classified as a Variant of Uncertain Significance. Algorithms developed to predict the effect of missense changes on protein structure and function are either unavailable or do not agree on the potential impact of this missense change (SIFT: "Not Available"; PolyPhen-2: "Benign"; Align-GVGD: "Not Available"). This variant has not been reported in the literature in individuals affected with IFT88-related conditions. This variant is not present in population databases (gnomAD no frequency). This sequence change replaces tyrosine, which is neutral and polar, with aspartic acid, which is acidic and polar, at codon 36 of the IFT88 protein (p.Tyr36Asp).

NM_006531.5(IFT88):c.79T>G (p.Tyr27Asp)

Gene: IFT88 (intraflagellar transport 88; plus strand). Cytogenetic location: 13q12.11.
Variant type: single nucleotide variant.
Coding change: c.79T>G on transcript NM_006531.5 (MANE Select); coding-DNA position 79, T replaced by G.
Protein change: p.Tyr27Asp; replaces tyrosine 27 with aspartic acid.
Molecular consequence: missense variant. On other transcripts: 5 prime UTR variant (1), non-coding transcript variant (5).
Genome position (GRCh38, 1-based): chr13:20,574,464, T>G. VCF-style: chr13-20574464-T-G. GRCh37 (hg19) VCF-style: chr13-21148603-T-G.
Other names: c.79T>G, p.Tyr27Asp (NM_001318491.2, NM_001353568.2, NM_001353571.2 and 5 more transcripts); c.106T>G, p.Tyr36Asp (NM_001318493.2, NM_001353565.2, NM_001353566.2 and 6 more transcripts); c.-485T>G (NM_001353579.2); short protein forms Y27D, Y36D.
Identifiers: ClinVar variation 2098096 (VCV002098096.4), dbSNP rs2547862677, ClinGen allele CA387470941.